The following is an entry in ClinVar:

ClinVar aggregate classification (germline): Pathogenic (1 of 4 stars; one submission).

Conditions:
Oto-palato-digital syndrome, type II (OPD2). Also called: FACIOPALATOOSSEOUS SYNDROME; OPD II SYNDROME; Otopalatodigital Syndrome, Type II; Otopalatodigital Syndrome Type 2 (FLNA-OPD2). Identifiers: Orphanet 669, Orphanet 90652, MedGen C1844696, MONDO:0010571, OMIM 304120.
Heterotopia, periventricular, X-linked dominant (PVNH1). Also called: PERIVENTRICULAR NODULAR HETEROTOPIA 1; X-linked periventricular heterotopia; PERIVENTRICULAR NODULAR HETEROTOPIA 4; HETEROTOPIA, PERIVENTRICULAR, 1. Identifiers: Orphanet 2149, Orphanet 82004, MedGen C1848213, MONDO:0010233, OMIM 300049.
Frontometaphyseal dysplasia (FMD1). Identifiers: Orphanet 1826, MedGen C0265293, MONDO:0015942.
Melnick-Needles syndrome (MNS). Also called: MELNICK-NEEDLES OSTEODYSPLASTY; OSTEODYSPLASTY OF MELNICK AND NEEDLES; Melnick-Needles Syndrome (FLNA-MNS). Identifiers: Orphanet 2484, MedGen C0025237, MONDO:0010650, OMIM 309350.

Submission:

Labcorp Genetics (formerly Invitae), Labcorp
Classification: Pathogenic for Oto-palato-digital syndrome, type II; Heterotopia, periventricular, X-linked dominant; Frontometaphyseal dysplasia; Melnick-Needles syndrome. Last evaluated: 2023-05-16. Review status: criteria provided, single submitter. Criteria: Invitae Variant Classification Sherloc (09022015). Collection method: clinical testing. Allele origin: germline.
Comment: For these reasons, this variant has been classified as Pathogenic. Algorithms developed to predict the effect of sequence changes on RNA splicing suggest that this variant may create or strengthen a splice site. This variant has not been reported in the literature in individuals affected with FLNA-related conditions. This variant is not present in population databases (gnomAD no frequency). This sequence change creates a premature translational stop signal (p.Glu1687Glyfs*9) in the FLNA gene. It is expected to result in an absent or disrupted protein product. Loss-of-function variants in FLNA are known to be pathogenic (PMID: 16684786, 20730588, 26471271).

Literature cited by the submitters: PubMed 16684786; PubMed 20730588; PubMed 26471271.

NM_001110556.2(FLNA):c.5084_5085del (p.Glu1695fs)

Gene: FLNA (filamin A; minus strand). Cytogenetic location: Xq28.
Variant type: Microsatellite.
Coding change: c.5084_5085del on transcript NM_001110556.2 (MANE Select); coding-DNA positions 5084 to 5085, 2 bases deleted (AG; older notation c.5084_5085delAG).
Protein change: p.Glu1695fs; shifts the reading frame from glutamic acid 1695.
Molecular consequence: frameshift variant.
Genome position (GRCh38, 1-based): chrX:154,354,957-154,354,958, CT deleted on the plus strand (AG on the coding strand, the reverse complement: FLNA is on the minus strand); deleting any 2 consecutive bases within chrX:154,354,957-154,354,960 gives the same sequence; the c. name uses the placement nearest the transcript's 3' end. VCF-style (leftmost placement, unchanged base first): chrX-154354956-CCT-C. GRCh37 (hg19) VCF-style: chrX-153583324-CCT-C.
Other names: c.5060_5061del, p.Glu1687fs (NM_001456.4); short protein forms E1687fs, E1695fs.
Identifiers: ClinVar variation 2947832 (VCV002947832.3), dbSNP rs2522728586, ClinGen allele CA2740090178.